The following is an entry in ClinVar:

ClinVar aggregate classification (germline): Uncertain significance. Review status: criteria provided, multiple submitters, no conflicts (2 of 4 stars). 2 submissions from 2 submitters: Uncertain significance (2). Last evaluated 2025-09-26.

Conditions:
Inborn genetic diseases. Identifiers: MedGen C0950123, MeSH D030342.

Submissions (2):

Ambry Genetics
Classification: Uncertain significance for Inborn genetic diseases. Last evaluated: 2025-09-26. Review status: criteria provided, single submitter. Criteria: Ambry Variant Classification Scheme 2023. Collection method: clinical testing. Allele origin: germline.

GeneDx
Classification: Uncertain significance. Last evaluated: 2024-12-30. Review status: criteria provided, single submitter. Criteria: GeneDx Variant Classification Process June 2021. Collection method: clinical testing. Allele origin: germline. Affected: yes.
Comment: Not observed at significant frequency in large population cohorts (gnomAD); In silico analysis indicates that this missense variant does not alter protein structure/function; Has not been previously published as pathogenic or benign to our knowledge

NM_015466.4(PTPN23):c.4778C>G (p.Ser1593Cys)

Gene: PTPN23 (protein tyrosine phosphatase non-receptor type 23; plus strand). Cytogenetic location: 3p21.31.
Variant type: single nucleotide variant.
Coding change: c.4778C>G on transcript NM_015466.4 (MANE Select); coding-DNA position 4778, C replaced by G.
Protein change: p.Ser1593Cys; replaces serine 1593 with cysteine.
Molecular consequence: missense variant.
Genome position (GRCh38, 1-based): chr3:47,413,052, C>G. VCF-style: chr3-47413052-C-G. GRCh37 (hg19) VCF-style: chr3-47454542-C-G.
Other names: c.4400C>G, p.Ser1467Cys (NM_001304482.2); short protein forms S1467C, S1593C.
Identifiers: ClinVar variation 3908016 (VCV003908016.2).